The following is an entry in ClinVar:

NM_005157.6(ABL1):c.473C>G (p.Pro158Arg)

Gene: ABL1 (ABL proto-oncogene 1, non-receptor tyrosine kinase; plus strand). Cytogenetic location: 9q34.12.
Variant type: single nucleotide variant.
Coding change: c.473C>G on transcript NM_005157.6 (MANE Select); coding-DNA position 473, C replaced by G.
Protein change: p.Pro158Arg; replaces proline 158 with arginine.
Molecular consequence: missense variant.
Genome position (GRCh38, 1-based): chr9:130,855,020, C>G. VCF-style: chr9-130855020-C-G. GRCh37 (hg19) VCF-style: chr9-133730407-C-G.
Other names: c.530C>G, p.Pro177Arg (NM_007313.3); short protein forms P158R, P177R.
Identifiers: ClinVar variation 1707978 (VCV001707978.2), dbSNP rs2132958367, ClinGen allele CA375259015.

ClinVar aggregate classification (germline): Uncertain significance (1 of 4 stars; one submission).

Submission:

GeneDx
Classification: Uncertain significance. Last evaluated: 2022-04-01. Review status: criteria provided, single submitter. Criteria: GeneDx Variant Classification Process June 2021. Collection method: clinical testing. Allele origin: germline. Affected: yes.
Comment: Not observed at significant frequency in large population cohorts (gnomAD); In silico analysis supports that this missense variant has a deleterious effect on protein structure/function; Has not been previously published as pathogenic or benign to our knowledge